The following is an entry in ClinVar:

ClinVar aggregate classification (germline): Uncertain significance (1 of 4 stars; one submission).

Conditions:
Neuromuscular disease and ocular or auditory anomalies with or without seizures. Also called: NEUROMUSCULAR OCULOAUDITORY SYNDROME. Identifiers: MedGen C5231483, MONDO:0032890, OMIM 618733.

gnomAD v4.1: 1 of 1,614,188 alleles (0.000062%); highest among the groups gnomAD compares: East Asian, 0.0022%; no homozygotes.

Submission:

Juno Genomics, Hangzhou Juno Genomics, Inc
Classification: Uncertain significance for Neuromuscular disease and ocular or auditory anomalies with or without seizures. Review status: criteria provided, single submitter. Criteria: ACMG Guidelines, 2015. Collection method: clinical testing. Allele origin: germline.
Comment: Missense variant in a gene that has a low rate of benign missense variation.;Multiple lines of computational evidence support a deleterious effect on the gene or gene product.;Absent from controls (or at extremely low frequency if recessive) in Genome Aggregation Database.

NM_003587.5(DHX16):c.2762T>A (p.Leu921His)

Gene: DHX16 (DEAH-box helicase 16; minus strand). Cytogenetic location: 6p21.33.
Variant type: single nucleotide variant.
Coding change: c.2762T>A on transcript NM_003587.5 (MANE Select); coding-DNA position 2762, T replaced by A.
Protein change: p.Leu921His; replaces leucine 921 with histidine.
Molecular consequence: missense variant.
Genome position (GRCh38, 1-based): chr6:30,655,236, A>T on the plus strand (T>A on the coding strand, the complement: DHX16 is on the minus strand). VCF-style: chr6-30655236-A-T. GRCh37 (hg19) VCF-style: chr6-30623013-A-T.
Other names: c.2582T>A, p.Leu861His (NM_001164239.2); c.1319T>A, p.Leu440His (NM_001363515.2); short protein forms L921H, L440H, L861H.
Identifiers: ClinVar variation 5007005 (VCV005007005.2).
Genomic context (GRCh38, chr6:30,655,236, plus strand): 5'-TTGCGTACACGGATATAGTCCCCCTGGCAGGAACTGAGACCAACTTCCACACGTTCCAAG[A>T]GCCCTTCCAGCTGTTCCCGCACATCCCGGGCTCGGCGCATCGATCTGAACTGTACAAAGT-3'
Protein context (NP_003578.2, residues 911-931): ARDVREQLEG[Leu921His]LERVEVGLSS